The following is an entry in ClinVar:

NM_004415.4(DSP):c.171-5C>T

Gene: DSP (desmoplakin; plus strand). Cytogenetic location: 6p24.3.
Variant type: single nucleotide variant.
Coding change: c.171-5C>T on transcript NM_004415.4 (MANE Select); 5 bases into the intron before coding-DNA position 171, C replaced by T.
Molecular consequence: intron variant.
Genome position (GRCh38, 1-based): chr6:7,555,713, C>T. VCF-style: chr6-7555713-C-T. GRCh37 (hg19) VCF-style: chr6-7555946-C-T.
Other names: c.171-5C>T (NM_001319034.2, NM_001008844.3, NM_001406591.1).
Identifiers: ClinVar variation 2929437 (VCV002929437.4), dbSNP rs1758486796, ClinGen allele CA1608644310.

ClinVar aggregate classification (germline): Likely benign. Review status: criteria provided, multiple submitters, no conflicts (2 of 4 stars). 2 submissions from 2 submitters: Likely benign (2). Last evaluated 2025-08-31.

Conditions:
Arrhythmogenic cardiomyopathy with wooly hair and keratoderma. Also called: Arrhythmogenic cardiomyopathy with woolly hair and keratoderma; Dilated cardiomyopathy with woolly hair and keratoderma; PALMOPLANTAR KERATODERMA WITH LEFT VENTRICULAR CARDIOMYOPATHY AND WOOLLY HAIR; Carvajal syndrome. Identifiers: Orphanet 65282, MedGen C1854063, MONDO:0011581, OMIM 605676.
Arrhythmogenic right ventricular dysplasia 8 (ARVD8). Also called: Arrhythmogenic Right Ventricular Dysplasia/Cardiomyopathy 8; ARRHYTHMOGENIC RIGHT VENTRICULAR DYSPLASIA, FAMILIAL, 8; ARRHYTHMOGENIC RIGHT VENTRICULAR CARDIOMYOPATHY 8. Identifiers: MedGen C1843896, MONDO:0011831, OMIM 607450.

Allele frequency attached by ClinVar (database versions not stated): gnomAD exomes below 0.00001; TOPMed below 0.00001.

Submissions (2):

Labcorp Genetics (formerly Invitae), Labcorp
Classification: Likely benign for Arrhythmogenic cardiomyopathy with wooly hair and keratoderma; Arrhythmogenic right ventricular dysplasia 8. Last evaluated: 2025-08-31. Review status: criteria provided, single submitter. Criteria: Invitae Variant Classification Sherloc (09022015). Collection method: clinical testing. Allele origin: germline.

All of Us Research Program, National Institutes of Health
Classification: Likely benign for Arrhythmogenic cardiomyopathy with wooly hair and keratoderma. Last evaluated: 2023-08-15. Review status: criteria provided, single submitter. Criteria: ACMG Guidelines, 2015. Collection method: clinical testing. Allele origin: germline. Inheritance: Autosomal dominant inheritance. Observed: 1 variant allele, 1 heterozygote.
Comment: This study involves interpretation of variants in research participants for the purpose of population health screening. Participant phenotype was not available at the time of variant classification. Additional details can be found in publication PMID: 35346344, PMCID: PMC8962531